The following is an entry in ClinVar:

NM_014363.6(SACS):c.1228_1229del (p.Leu410fs)

Gene: SACS (sacsin molecular chaperone; minus strand). Cytogenetic location: 13q12.12.
Variant type: Deletion.
Coding change: c.1228_1229del on transcript NM_014363.6 (MANE Select); coding-DNA positions 1228 to 1229, 2 bases deleted (TT; older notation c.1228_1229delTT).
Protein change: p.Leu410fs; shifts the reading frame from leucine 410.
Molecular consequence: frameshift variant.
Genome position (GRCh38, 1-based): chr13:23,355,383-23,355,384, AA deleted on the plus strand (TT on the coding strand, the reverse complement: SACS is on the minus strand); deleting any 2 consecutive bases within chr13:23,355,383-23,355,385 gives the same sequence; the c. name uses the placement nearest the transcript's 3' end. VCF-style (leftmost placement, unchanged base first): chr13-23355382-TAA-T. GRCh37 (hg19) VCF-style: chr13-23929521-TAA-T.
Other names: c.787_788del, p.Leu263fs (NM_001278055.2); short protein forms L410fs, L263fs.
Identifiers: ClinVar variation 370271 (VCV000370271.19), dbSNP rs1057516365, ClinGen allele CA16041653.

ClinVar aggregate classification (germline): Pathogenic/Likely pathogenic. Review status: criteria provided, multiple submitters, no conflicts (2 of 4 stars). 6 submissions from 6 submitters: Pathogenic (3); Likely pathogenic (1). 2 of the submissions do not count toward it. Last evaluated 2023-05-08.

Conditions:
Spastic paraplegia. Identifiers: MedGen C0037772, HP:0001258.
Charlevoix-Saguenay spastic ataxia (SACS). Also called: AUTOSOMAL RECESSIVE SPASTIC ATAXIA OF CHARLEVOIX-SAGUENAY; SPASTIC ATAXIA 6, AUTOSOMAL RECESSIVE; Spastic ataxia of Charlevoix-Saguenay. Identifiers: Orphanet 98, MedGen C1849140, MONDO:0010041, OMIM 270550.

Submissions (6):

Baylor Genetics
Classification: Pathogenic for Charlevoix-Saguenay spastic ataxia. Last evaluated: 2023-05-08. Review status: criteria provided, single submitter. Criteria: ACMG Guidelines, 2015. Collection method: clinical testing. Allele origin: unknown.

PROSPAX: an integrated multimodal progression  chart in spastic ataxias, Center for Neurology; Hertie-Institute for Clinical Brain Research
Classification: Pathogenic for Charlevoix-Saguenay spastic ataxia. Last evaluated: 2022-01-01. Review status: criteria provided, single submitter. Criteria: ACMG Guidelines, 2015. Collection method: research. Allele origin: germline. Affected: yes. Observed: 1 variant allele, 1 compound heterozygote.

Genome-Nilou Lab
Classification: Likely pathogenic for Charlevoix-Saguenay spastic ataxia. Last evaluated: 2021-09-05. Review status: criteria provided, single submitter. Criteria: ACMG Guidelines, 2015. Collection method: clinical testing. Allele origin: germline. Affected: no.

Labcorp Genetics (formerly Invitae), Labcorp
Classification: Pathogenic for Spastic paraplegia. Last evaluated: 2020-04-30. Review status: criteria provided, single submitter. Criteria: Invitae Variant Classification Sherloc (09022015). Collection method: clinical testing. Allele origin: germline.
Comment: This variant is not present in population databases (ExAC no frequency). This variant has been observed in individual(s) with SACS-related conditions (PMID: 22816526). ClinVar contains an entry for this variant (Variation ID: 370271). Loss-of-function variants in SACS are known to be pathogenic (PMID: 18465152, 20876471). For these reasons, this variant has been classified as Pathogenic. This sequence change creates a premature translational stop signal (p.Leu410Serfs*2) in the SACS gene. It is expected to result in an absent or disrupted protein product.

Natera, Inc.
Classification: Pathogenic for Charlevoix-Saguenay type spastic ataxia. Last evaluated: 2021-05-20. Review status: no assertion criteria provided. Collection method: clinical testing. Allele origin: germline. Not counted in ClinVar's aggregate classification.

Counsyl
Classification: Likely pathogenic for Charlevoix-Saguenay spastic ataxia. Last evaluated: 2015-12-30. Review status: no assertion criteria provided. Collection method: clinical testing. Allele origin: unknown. Not counted in ClinVar's aggregate classification.

Literature cited by the submitters: PubMed 22816526 (cited by Labcorp Genetics (formerly Invitae), Labcorp and Counsyl); PubMed 18465152 (cited by Labcorp Genetics (formerly Invitae), Labcorp); PubMed 20876471 (cited by Labcorp Genetics (formerly Invitae), Labcorp).